The following is an entry in ClinVar:

NM_001999.4(FBN2):c.4011G>A (p.Met1337Ile)

Gene: FBN2 (fibrillin 2; minus strand). Cytogenetic location: 5q23.3.
Variant type: single nucleotide variant.
Coding change: c.4011G>A on transcript NM_001999.4 (MANE Select); coding-DNA position 4011, G replaced by A.
Protein change: p.Met1337Ile; replaces methionine 1337 with isoleucine.
Molecular consequence: missense variant.
Genome position (GRCh38, 1-based): chr5:128,334,807, C>T on the plus strand (G>A on the coding strand, the complement: FBN2 is on the minus strand). VCF-style: chr5-128334807-C-T. GRCh37 (hg19) VCF-style: chr5-127670499-C-T.
Other names: short protein forms M1337I.
Identifiers: ClinVar variation 458767 (VCV000458767.10), dbSNP rs1231103337, ClinGen allele CA360757143.

ClinVar aggregate classification (germline): Uncertain significance. Review status: criteria provided, multiple submitters, no conflicts (2 of 4 stars). 2 submissions from 2 submitters: Uncertain significance (2). Last evaluated 2026-04-27.

Conditions:
Familial thoracic aortic aneurysm and aortic dissection (TAAD). Also called: Thoracic aortic aneurysms and dissections. Identifiers: Orphanet 91387, MedGen C4707243, MONDO:0019625.
Congenital contractural arachnodactyly (CCA). Also called: Arthrogryposis, distal, type 9; Beals-Hecht syndrome; BEALS SYNDROME. Identifiers: Orphanet 115, MedGen C0220668, MONDO:0007363, OMIM 121050.

Allele frequency attached by ClinVar (database versions not stated): TOPMed below 0.00001; gnomAD 0.00001; gnomAD exomes 0.00001 and below 0.00001.

Submissions (2):

Ambry Genetics
Classification: Uncertain significance for Familial thoracic aortic aneurysm and aortic dissection. Last evaluated: 2026-04-27. Review status: criteria provided, single submitter. Criteria: Ambry Variant Classification Scheme 2023. Collection method: clinical testing. Allele origin: germline.
Comment: The c.4011G>A (p.M1337I) alteration is located in exon 31 (coding exon 31) of the FBN2 gene. This alteration results from a G to A substitution at nucleotide position 4011, causing the methionine (M) at amino acid position 1337 to be replaced by an isoleucine (I). Based on data from gnomAD, the A allele has an overall frequency of <0.001% (1/251380) total alleles studied. The highest observed frequency was 0.001% (1/113682) of European (non-Finnish) alleles. Based on insufficient or conflicting evidence, the clinical significance of this alteration remains unclear.

Labcorp Genetics (formerly Invitae), Labcorp
Classification: Uncertain significance for Congenital contractural arachnodactyly. Last evaluated: 2023-08-30. Review status: criteria provided, single submitter. Criteria: Invitae Variant Classification Sherloc (09022015). Collection method: clinical testing. Allele origin: germline.
Comment: In summary, the available evidence is currently insufficient to determine the role of this variant in disease. Therefore, it has been classified as a Variant of Uncertain Significance. Advanced modeling of protein sequence and biophysical properties (such as structural, functional, and spatial information, amino acid conservation, physicochemical variation, residue mobility, and thermodynamic stability) performed at Invitae indicates that this missense variant is not expected to disrupt FBN2 protein function. ClinVar contains an entry for this variant (Variation ID: 458767). This variant has not been reported in the literature in individuals affected with FBN2-related conditions. This variant is present in population databases (no rsID available, gnomAD 0.0009%). This sequence change replaces methionine, which is neutral and non-polar, with isoleucine, which is neutral and non-polar, at codon 1337 of the FBN2 protein (p.Met1337Ile).